The following is an entry in ClinVar:

ClinVar aggregate classification (germline): Benign/Likely benign. Review status: criteria provided, multiple submitters, no conflicts (2 of 4 stars). 3 submissions from 3 submitters: Benign (1); Likely benign (2). Last evaluated 2024-10-28.

Conditions:
Prostate cancer, hereditary, 9 (HPC9). Identifiers: Orphanet 1331, MedGen C1970250, MONDO:0012597, OMIM 610997.
Hereditary cancer-predisposing syndrome. Also called: Neoplastic Syndromes, Hereditary; Hereditary Cancer Syndrome; Hereditary neoplastic syndrome; Tumor predisposition. Identifiers: Orphanet 140162, MedGen C0027672, MeSH D009386, MONDO:0015356.

Submissions (3):

Myriad Genetics, Inc.
Classification: Benign for Prostate cancer, hereditary, 9. Last evaluated: 2024-10-28. Review status: criteria provided, single submitter. Criteria: Myriad Autosomal Dominant, Autosomal Recessive and X-Linked Classification Criteria (2023). Collection method: clinical testing. Allele origin: unknown.
Comment: This variant is considered benign. This variant is a silent/synonymous amino acid change and it is not expected to impact splicing.

Ambry Genetics
Classification: Likely benign for Hereditary cancer-predisposing syndrome. Last evaluated: 2024-06-12. Review status: criteria provided, single submitter. Criteria: Ambry Variant Classification Scheme 2023. Collection method: clinical testing. Allele origin: germline.

Labcorp Genetics (formerly Invitae), Labcorp
Classification: Likely benign. Last evaluated: 2020-11-15. Review status: criteria provided, single submitter. Criteria: Invitae Variant Classification Sherloc (09022015). Collection method: clinical testing. Allele origin: germline.

NM_006361.6(HOXB13):c.9C>A (p.Pro3=)

Gene: HOXB13 (homeobox B13; minus strand). Cytogenetic location: 17q21.32.
Variant type: single nucleotide variant.
Coding change: c.9C>A on transcript NM_006361.6 (MANE Select); coding-DNA position 9, C replaced by A.
Protein change: p.Pro3=; no amino-acid change (proline 3 retained).
Molecular consequence: synonymous variant.
Genome position (GRCh38, 1-based): chr17:48,728,585, G>T on the plus strand (C>A on the coding strand, the complement: HOXB13 is on the minus strand). VCF-style: chr17-48728585-G-T. GRCh37 (hg19) VCF-style: chr17-46805947-G-T.
Other names: c.9C>A (NM_006361.5).
Identifiers: ClinVar variation 1652041 (VCV001652041.10), dbSNP rs1597935416, ClinGen allele CA500503472.
Genomic context (GRCh38, chr17:48,728,585, plus strand): 5'-CCCTCCCGCTCCCAGCAAGCCTTCGATATCCTTGGCTCCATCCAAGGTGGCATAATTGCC[G>T]GGCTCCATGGAGCCGAGGGTCGGCTCATGAGGTGCGGGGGCGGGGAATCTAGGGGGCACC-3'
Protein context (NP_006352.2, residues 1-13): ME[Pro3=]GNYATLDGAK